The following is an entry in ClinVar:

NM_032018.7(SPRTN):c.718_718+3del

Gene: SPRTN (SprT-like N-terminal domain; plus strand). Cytogenetic location: 1q42.2.
Variant type: Deletion.
Coding change: c.718_718+3del on transcript NM_032018.7 (MANE Select); coding-DNA position 718 through 3 bases into the intron after coding-DNA position 718, 4 bases deleted (GGTA; older notation c.718_718+3delGGTA).
Molecular consequence: splice donor variant. On other transcripts: frameshift variant (2).
Genome position (GRCh38, 1-based): chr1:231,351,571-231,351,574, GGTA deleted; deleting any 4 consecutive bases within chr1:231,351,570-231,351,574 gives the same sequence; the c. name uses the placement nearest the transcript's 3' end. VCF-style (leftmost placement, unchanged base first): chr1-231351569-AAGGT-A. GRCh37 (hg19) VCF-style: chr1-231487315-AAGGT-A.
Other names: c.718_721del, p.Gly240fs (NM_001010984.4); c.589_592del, p.Gly197fs (NM_001261462.3); short protein forms G197fs, G240fs.
Identifiers: ClinVar variation 143915 (VCV000143915.4), dbSNP rs587593493, ClinGen allele CA175121.

ClinVar aggregate classification (germline): Pathogenic. Review status: criteria provided, single submitter (1 of 4 stars). 3 submissions from 2 submitters: Pathogenic (1). 2 of the submissions do not count toward it.

Conditions:
Progeroid features-hepatocellular carcinoma predisposition syndrome (RJALS). Also called: Ruijs-Aalfs syndrome; RUIJS-AALFS PROGEROID SYNDROME. Identifiers: Orphanet 435953, MedGen C4015461, MONDO:0014527, OMIM 616200.

Submissions (3):

Neurogenetics Research; Murdoch Childrens Research Institute
Classification: Pathogenic. Review status: criteria provided, single submitter. Criteria: Submitter's publication. Collection method: not provided. Allele origin: germline.
Comment: Autosomal recessive atypical progeroid syndrome with hepatic cellular carcinoma. Heterozygous mutation in 1 family
ClinVar note: Converted during submission from pathogenic to Pathogenic.

OMIM
Classification: Pathogenic for RUIJS-AALFS PROGEROID SYNDROME. Last evaluated: 2014-11-01. Review status: no assertion criteria provided. Collection method: literature only. Allele origin: germline. Not counted in ClinVar's aggregate classification.

Neurogenetics Research; Murdoch Childrens Research Institute
Classification: Pathogenic. Review status: flagged submission. Criteria: Submitter's publication. Collection method: not provided. Allele origin: germline. Not counted in ClinVar's aggregate classification.
Comment: the same text as in the submission from Neurogenetics Research; Murdoch Childrens Research Institute above.
ClinVar note: Converted during submission from pathogenic to Pathogenic.
ClinVar note: Reason: This record appears to be redundant with a more recent record from the same submitter.
ClinVar note: Notes: SCV000188611 appears to be redundant with SCV000188639.

Literature cited by the submitters: PubMed 25261934 (cited by OMIM).